The following is an entry in ClinVar:

NM_001081.4(CUBN):c.7661_7662inv (p.Pro2554Leu)

Gene: CUBN (cubilin; minus strand). Cytogenetic location: 10p13.
Variant type: Inversion.
Coding change: c.7661_7662inv on transcript NM_001081.4 (MANE Select).
Protein change: p.Pro2554Leu; replaces proline 2554 with leucine.
Molecular consequence: missense variant.
Genome position: GRCh38 VCF-style: chr10-16907551-TG-CA. GRCh37 (hg19) VCF-style: chr10-16949550-TG-CA.
Other names: c.7661_7662delinsTG (NM_001081.3); short protein forms P2554L.
Identifiers: ClinVar variation 1810450 (VCV001810450.1), ClinGen allele CA2580081370.

ClinVar aggregate classification (germline): Uncertain significance (1 of 4 stars; one submission).

Submission:

GeneDx
Classification: Uncertain significance. Last evaluated: 2022-07-07. Review status: criteria provided, single submitter. Criteria: GeneDx Variant Classification Process June 2021. Collection method: clinical testing. Allele origin: germline. Affected: yes.
Comment: Not observed at significant frequency in large population cohorts (gnomAD); In silico analysis supports a deleterious effect on protein structure/function; Has not been previously published as pathogenic or benign to our knowledge